The following is an entry in ClinVar:

ClinVar aggregate classification (germline): Uncertain significance (1 of 4 stars; one submission).

Conditions:
Inborn genetic diseases. Identifiers: MedGen C0950123, MeSH D030342.

gnomAD v4.1: 3 of 1,607,440 alleles (0.00019%); highest among the groups gnomAD compares: East Asian, 0.0022%; no homozygotes.

Submission:

Ambry Genetics
Classification: Uncertain significance for Inborn genetic diseases. Last evaluated: 2024-12-06. Review status: criteria provided, single submitter. Criteria: Ambry Variant Classification Scheme 2023. Collection method: clinical testing. Allele origin: germline.
Comment: The p.I810V variant (also known as c.2428A>G), located in coding exon 14 of the FANCM gene, results from an A to G substitution at nucleotide position 2428. The isoleucine at codon 810 is replaced by valine, an amino acid with highly similar properties. This amino acid position is conserved. In addition, this alteration is predicted to be tolerated by in silico analysis. Based on the available evidence, the clinical significance of this variant remains unclear.

NM_020937.4(FANCM):c.2428A>G (p.Ile810Val)

Gene: FANCM (FA complementation group M; plus strand). Cytogenetic location: 14q21.2.
Variant type: single nucleotide variant.
Coding change: c.2428A>G on transcript NM_020937.4 (MANE Select); coding-DNA position 2428, A replaced by G.
Protein change: p.Ile810Val; replaces isoleucine 810 with valine.
Molecular consequence: missense variant.
Genome position (GRCh38, 1-based): chr14:45,175,182, A>G. VCF-style: chr14-45175182-A-G. GRCh37 (hg19) VCF-style: chr14-45644385-A-G.
Other names: c.2350A>G, p.Ile784Val (NM_001308133.2); short protein forms I810V, I784V.
Identifiers: ClinVar variation 3512972 (VCV003512972.1).